The following is an entry in ClinVar:

NM_000301.5(PLG):c.49+6A>T

Gene: PLG (plasminogen; plus strand). Cytogenetic location: 6q26.
Variant type: single nucleotide variant.
Coding change: c.49+6A>T on transcript NM_000301.5 (MANE Select); 6 bases into the intron after coding-DNA position 49, A replaced by T.
Molecular consequence: intron variant.
Genome position (GRCh38, 1-based): chr6:160,702,359, A>T. VCF-style: chr6-160702359-A-T. GRCh37 (hg19) VCF-style: chr6-161123391-A-T.
Other names: c.49+6A>T (NM_001168338.1).
Identifiers: ClinVar variation 4853116 (VCV004853116.1).

ClinVar aggregate classification (germline): Uncertain significance (1 of 4 stars; one submission).

gnomAD v4.1: 14 of 1,594,698 alleles (0.00088%); highest among the groups gnomAD compares: East Asian, 0.031%; no homozygotes.

Submission:

Women's Health and Genetics/Laboratory Corporation of America, LabCorp
Classification: Uncertain significance. Last evaluated: 2026-05-29. Review status: criteria provided, single submitter. Criteria: LabCorp Variant Classification Summary - May 2015. Collection method: clinical testing. Allele origin: germline.
Comment: Variant summary: PLG c.49+6A>T alters a nucleotide located close to a canonical splice site and therefore could affect mRNA splicing, leading to a significantly altered protein sequence. Consensus agreement among computation tools predict no significant impact on normal splicing. However, these predictions have yet to be confirmed by functional studies. The variant allele was found at a frequency of 4.3e-05 in 210344 control chromosomes, predominantly at a frequency of 0.00056 within the East Asian subpopulation in the gnomAD database. The available data on variant occurrences in the general population are insufficient to allow any conclusion about variant significance. To our knowledge, no occurrence of c.49+6A>T in individuals affected with PLG-related conditions and no experimental evidence demonstrating its impact on protein function have been reported. No submitters have cited clinical-significance assessments for this variant to ClinVar. Based on the evidence outlined above, the variant was classified as uncertain significance.